The following is an entry in ClinVar:

ClinVar aggregate classification (germline): Likely benign. Review status: criteria provided, multiple submitters, no conflicts (2 of 4 stars). 4 submissions from 4 submitters: Likely benign (4). Last evaluated 2025-11-12.

Conditions:
Inborn genetic diseases. Identifiers: MedGen C0950123, MeSH D030342.

Allele frequency attached by ClinVar (database versions not stated): gnomAD 0.00002 and 0.00004; TOPMed 0.00003; ExAC 0.00012; gnomAD exomes 0.00013; 1000 Genomes Project 30x 0.00016; 1000 Genomes Project 0.00020.
gnomAD v4.1: 96 of 1,614,076 alleles (0.0059%); highest among the groups gnomAD compares: South Asian, 0.065%; no homozygotes.

Submissions (4):

Labcorp Genetics (formerly Invitae), Labcorp
Classification: Likely benign. Last evaluated: 2025-11-12. Review status: criteria provided, single submitter. Criteria: Invitae Variant Classification Sherloc (09022015). Collection method: clinical testing. Allele origin: germline.

Ambry Genetics
Classification: Likely benign for Inborn genetic diseases. Last evaluated: 2025-09-01. Review status: criteria provided, single submitter. Criteria: Ambry Variant Classification Scheme 2023. Collection method: clinical testing. Allele origin: germline.

CeGaT Center for Human Genetics Tuebingen
Classification: Likely benign. Last evaluated: 2025-07-01. Review status: criteria provided, single submitter. Criteria: CeGaT Center For Human Genetics Tuebingen Variant Classification Criteria Version 2. Collection method: clinical testing. Allele origin: germline. Affected: yes. Observed: 1 variant allele.
Comment: KMT2A: BP4, BP7

Blueprint Genetics
Classification: Likely benign. Last evaluated: 2024-10-04. Review status: criteria provided, single submitter. Criteria: ACMG Guidelines, 2015. Collection method: clinical testing. Allele origin: germline.

NM_001197104.2(KMT2A):c.3477C>T (p.Pro1159=)

Gene: KMT2A (lysine methyltransferase 2A; plus strand). Cytogenetic location: 11q23.3.
Variant type: single nucleotide variant.
Coding change: c.3477C>T on transcript NM_001197104.2 (MANE Select); coding-DNA position 3477, C replaced by T.
Protein change: p.Pro1159=; no amino-acid change (proline 1159 retained).
Molecular consequence: synonymous variant.
Genome position (GRCh38, 1-based): chr11:118,478,109, C>T. VCF-style: chr11-118478109-C-T. GRCh37 (hg19) VCF-style: chr11-118348824-C-T.
Other names: c.3477C>T, p.Pro1159= (NM_005933.4); c.3477C>T (NM_001197104.1).
Identifiers: ClinVar variation 1589338 (VCV001589338.18), dbSNP rs537074714, ClinGen allele CA6303661.